The following is an entry in ClinVar:

ClinVar aggregate classification (germline): Uncertain significance. Review status: criteria provided, multiple submitters, no conflicts (2 of 4 stars). 2 submissions from 2 submitters: Uncertain significance (2). Last evaluated 2023-12-12.

Conditions:
Leber congenital amaurosis 6 (LCA6). Identifiers: Orphanet 65, MedGen C1854260, MONDO:0013446, OMIM 613826.
Cone-rod dystrophy 13 (CORD13). Identifiers: Orphanet 1872, MedGen C2750720, MONDO:0011987, OMIM 608194.
Inborn genetic diseases. Identifiers: MedGen C0950123, MeSH D030342.

Allele frequency attached by ClinVar (database versions not stated): gnomAD exomes below 0.00001 and 0.00001; ExAC 0.00001; gnomAD 0.00001; TOPMed 0.00001.
gnomAD v4.1: 8 of 1,613,472 alleles (0.0005%); highest among the groups gnomAD compares: Admixed American, 0.0067%; no homozygotes.

Submissions (2):

Ambry Genetics
Classification: Uncertain significance for Inborn genetic diseases. Last evaluated: 2023-12-12. Review status: criteria provided, single submitter. Criteria: Ambry Variant Classification Scheme 2023. Collection method: clinical testing. Allele origin: germline.

Labcorp Genetics (formerly Invitae), Labcorp
Classification: Uncertain significance for Leber congenital amaurosis 6; Cone-rod dystrophy 13. Last evaluated: 2023-02-27. Review status: criteria provided, single submitter. Criteria: Invitae Variant Classification Sherloc (09022015). Collection method: clinical testing. Allele origin: germline.
Comment: In summary, the available evidence is currently insufficient to determine the role of this variant in disease. Therefore, it has been classified as a Variant of Uncertain Significance. Advanced modeling of protein sequence and biophysical properties (such as structural, functional, and spatial information, amino acid conservation, physicochemical variation, residue mobility, and thermodynamic stability) performed at Invitae indicates that this missense variant is not expected to disrupt RPGRIP1 protein function. ClinVar contains an entry for this variant (Variation ID: 1428918). This variant has not been reported in the literature in individuals affected with RPGRIP1-related conditions. This variant is present in population databases (rs774012865, gnomAD 0.0009%). This sequence change replaces valine, which is neutral and non-polar, with isoleucine, which is neutral and non-polar, at codon 874 of the RPGRIP1 protein (p.Val874Ile).

NM_020366.4(RPGRIP1):c.2620G>A (p.Val874Ile)

Gene: RPGRIP1 (RPGR interacting protein 1; plus strand). Cytogenetic location: 14q11.2.
Variant type: single nucleotide variant.
Coding change: c.2620G>A on transcript NM_020366.4 (MANE Select); coding-DNA position 2620, G replaced by A.
Protein change: p.Val874Ile; replaces valine 874 with isoleucine.
Molecular consequence: missense variant. On other transcripts: intron variant (4).
Genome position (GRCh38, 1-based): chr14:21,326,083, G>A. VCF-style: chr14-21326083-G-A. GRCh37 (hg19) VCF-style: chr14-21794242-G-A.
Other names: c.1546G>A, p.Val516Ile (NM_001377948.1); c.796+1358G>A (NM_001377949.1); c.689-1540G>A (NM_001377523.1, NM_001377950.1); c.191-1540G>A (NM_001377951.1); c.2620G>A (NM_020366.3); short protein forms V516I, V874I.
Identifiers: ClinVar variation 1428918 (VCV001428918.8), dbSNP rs774012865, ClinGen allele CA7089306.